The following is an entry in ClinVar:

ClinVar aggregate classification (germline): Uncertain significance (1 of 4 stars; one submission).

Conditions:
Congenital myasthenic syndrome 9. Also called: Myasthenic syndrome, congenital, 9, associated with acetylcholine receptor deficiency. Identifiers: Orphanet 590, MedGen C4225368, MONDO:0014587, OMIM 616325.
Fetal akinesia deformation sequence 1 (FADS1). Also called: Pena-Shokeir syndrome type I; Fetal akinesia sequence. Identifiers: Orphanet 994, MedGen C1276035, MONDO:0100101, OMIM 208150, HP:0001989.

Allele frequency attached by ClinVar (database versions not stated): gnomAD exomes below 0.00001.
gnomAD v4.1: 1 of 1,613,862 alleles (0.000062%); highest among the groups gnomAD compares: African/African-American, 0.0013%; no homozygotes.

Submission:

Labcorp Genetics (formerly Invitae), Labcorp
Classification: Uncertain significance for Congenital myasthenic syndrome 9; Fetal akinesia deformation sequence 1. Last evaluated: 2021-08-31. Review status: criteria provided, single submitter. Criteria: Invitae Variant Classification Sherloc (09022015). Collection method: clinical testing. Allele origin: germline.
Comment: This sequence change replaces methionine with threonine at codon 413 of the MUSK protein (p.Met413Thr). The methionine residue is moderately conserved and there is a moderate physicochemical difference between methionine and threonine. This variant is not present in population databases (ExAC no frequency). This variant has not been reported in the literature in individuals affected with MUSK-related conditions. Algorithms developed to predict the effect of missense changes on protein structure and function are either unavailable or do not agree on the potential impact of this missense change (SIFT: "Deleterious"; PolyPhen-2: "Benign"; Align-GVGD: "Class C25"). In summary, the available evidence is currently insufficient to determine the role of this variant in disease. Therefore, it has been classified as a Variant of Uncertain Significance.

NM_005592.4(MUSK):c.1238T>C (p.Met413Thr)

Gene: MUSK (muscle associated receptor tyrosine kinase; plus strand). Cytogenetic location: 9q31.3.
Variant type: single nucleotide variant.
Coding change: c.1238T>C on transcript NM_005592.4 (MANE Select); coding-DNA position 1238, T replaced by C.
Protein change: p.Met413Thr; replaces methionine 413 with threonine.
Molecular consequence: missense variant. On other transcripts: initiator codon variant (1).
Genome position (GRCh38, 1-based): chr9:110,775,841, T>C. VCF-style: chr9-110775841-T-C. GRCh37 (hg19) VCF-style: chr9-113538121-T-C.
Other names: c.1004T>C, p.Met335Thr (NM_001166280.2); c.974T>C, p.Met325Thr (NM_001166281.2); c.2T>C, p.Met1Thr (NM_001369398.1); short protein forms M413T, M325T, M1T, M335T.
Identifiers: ClinVar variation 542746 (VCV000542746.7), dbSNP rs930182416, ClinGen allele CA198353780.
Genomic context (GRCh38, chr9:110,775,841, plus strand): 5'-ATTTTAGAGAGTACTGCTTGGCAGTAAAGGAGCTCTTCTGCGCAAAAGAATGGCTGGTAA[T>C]GGAAGAGAAGACCCACAGAGGACTCTACAGATCCGAGATGCATTTGCTGTCCGTGCCAGA-3'
Protein context (NP_005583.1, residues 403-423): ELFCAKEWLV[Met413Thr]EEKTHRGLYR